The following is an entry in ClinVar:

ClinVar aggregate classification (germline): Uncertain significance (1 of 4 stars; one submission).

gnomAD v4.1: 2 of 1,597,694 alleles (0.00013%); highest among the groups gnomAD compares: Non-Finnish European, 0.00017%; no homozygotes.

Submission:

Labcorp Genetics (formerly Invitae), Labcorp
Classification: Uncertain significance. Last evaluated: 2024-06-30. Review status: criteria provided, single submitter. Criteria: Invitae Variant Classification Sherloc (09022015). Collection method: clinical testing. Allele origin: germline.
Comment: This sequence change replaces serine, which is neutral and polar, with leucine, which is neutral and non-polar, at codon 2377 of the DCHS1 protein (p.Ser2377Leu). This variant is not present in population databases (gnomAD no frequency). This variant has not been reported in the literature in individuals affected with DCHS1-related conditions. Advanced modeling of protein sequence and biophysical properties (such as structural, functional, and spatial information, amino acid conservation, physicochemical variation, residue mobility, and thermodynamic stability) performed at Invitae indicates that this missense variant is not expected to disrupt DCHS1 protein function with a negative predictive value of 80%. In summary, the available evidence is currently insufficient to determine the role of this variant in disease. Therefore, it has been classified as a Variant of Uncertain Significance.

NM_003737.4(DCHS1):c.7130C>T (p.Ser2377Leu)

Gene: DCHS1 (dachsous cadherin-related 1; minus strand). Cytogenetic location: 11p15.4.
Variant type: single nucleotide variant.
Coding change: c.7130C>T on transcript NM_003737.4 (MANE Select); coding-DNA position 7130, C replaced by T.
Protein change: p.Ser2377Leu; replaces serine 2377 with leucine.
Molecular consequence: missense variant.
Genome position (GRCh38, 1-based): chr11:6,625,214, G>A on the plus strand (C>T on the coding strand, the complement: DCHS1 is on the minus strand). VCF-style: chr11-6625214-G-A. GRCh37 (hg19) VCF-style: chr11-6646445-G-A.
Other names: short protein forms S2377L.
Identifiers: ClinVar variation 3665541 (VCV003665541.2).